The following is an entry in ClinVar:

NM_000552.5(VWF):c.1562_1563delinsCT (p.Cys521Ser)

Gene: VWF (von Willebrand factor; minus strand). Cytogenetic location: 12p13.31.
Variant type: Indel.
Coding change: c.1562_1563delinsCT on transcript NM_000552.5 (MANE Select); coding-DNA positions 1562 to 1563, GC replaced by CT.
Protein change: p.Cys521Ser; replaces cysteine 521 with serine.
Molecular consequence: missense variant.
Genome position (GRCh38, 1-based): chr12:6,058,015-6,058,016, GC replaced by AG on the plus strand (GC replaced by CT on the coding strand, the reverse complement: VWF is on the minus strand). VCF-style: chr12-6058015-GC-AG. GRCh37 (hg19) VCF-style: chr12-6167181-GC-AG.
Other names: c.1562_1563delinsCT (NM_000552.4); short protein forms C521S.
Identifiers: ClinVar variation 439322 (VCV000439322.13), dbSNP rs1555198442, ClinGen allele CA645509534.
Genomic context (GRCh38, chr12:6,058,015, plus strand): 5'-CAGCCCAGAGGGGGTAAGGAAGTCGTCGCCCTGGTTGCCATTGTAATTCCCACACAGGCC[GC>AG]AGGTCTTCCCGGCATAGACGGGGGACAGCTGCAGGAGAGACCAGGCCACTCTGGAGCCGC-3'
Protein context (NP_000543.3, residues 511-531): KLSPVYAGKT[Cys521Ser]GLCGNYNGNQ

ClinVar aggregate classification (germline): Conflicting classifications of pathogenicity. Review status: criteria provided, conflicting classifications (1 of 4 stars). 6 submissions from 6 submitters: Uncertain significance (5); Likely benign (1). Last evaluated 2026-05-27.

Conditions:
VWF-related disorder. Also called: VWF-related condition; VWF-related disorders.
von Willebrand disease type 1 (VWD1). Also called: VON WILLEBRAND DISEASE, TYPE I; VWD, TYPE 1. Identifiers: Orphanet 166078, Orphanet 903, MedGen C1264039, MONDO:0008668, OMIM 193400. Inheritance: autosomal recessive or autosomal dominant.

Submissions (6):

PreventionGenetics, part of Exact Sciences
Classification: Uncertain significance for VWF-related condition. Last evaluated: 2026-05-27. Review status: criteria provided, single submitter. Criteria: ACMG Guidelines, 2015. Collection method: clinical testing. Allele origin: germline.
Comment: The VWF c.1562_1563delinsCT variant is predicted to result in an in-frame deletion and insertion. To our knowledge, this variant has not been reported in the literature or in a large population database (gnomAD), indicating this variant is rare. At this time, the clinical significance of this variant is uncertain due to the absence of conclusive functional and genetic evidence.

Women's Health and Genetics/Laboratory Corporation of America, LabCorp
Classification: Likely benign. Last evaluated: 2026-05-27. Review status: criteria provided, single submitter. Criteria: LabCorp Variant Classification Summary - May 2015. Collection method: clinical testing. Allele origin: germline.
Comment: Variant summary: VWF c.1562_1563delinsCT (p.Cys521Ser) results in a non-conservative amino acid change located in the von Willebrand factor, type D domain (IPR001846) of the encoded protein sequence. Algorithms developed to predict the effect of missense changes on protein structure and function are either unavailable or do not agree on the potential impact of this missense change. The variant allele was found at a frequency of 0.00041 in 280442 control chromosomes, predominantly at a frequency of 0.0045 within the African or African-American subpopulation in the gnomAD database. The observed variant frequency within African or African-American control individuals in the gnomAD database exceeds the estimated maximal expected allele frequency for disease-causing variants in VWF. To our knowledge, no occurrence of c.1562_1563delinsCT in individuals affected with VWF-related conditions and no experimental evidence demonstrating its impact on protein function have been reported. ClinVar contains an entry for this variant (Variation ID: 439322). Based on the evidence outlined above, the variant was classified as likely benign.

Quest Diagnostics Nichols Institute San Juan Capistrano
Classification: Uncertain significance. Last evaluated: 2025-10-30. Review status: criteria provided, single submitter. Criteria: Quest Diagnostics criteria. Collection method: clinical testing. Allele origin: unknown.
Comment: The VWF c.1562_1563delinsCT (p.Cys521Ser) variant has not been reported in individuals with VWF-related conditions in the published literature. The frequency of this variant in the general population (Genome Aggregation Database) is uninformative in the assessment of its pathogenicity. Analysis of this variant using bioinformatics tools for the prediction of the effect of amino acid changes on protein structure and function yielded conflicting predictions that this variant is deleterious or benign. Based on the available information, we are unable to determine the clinical significance of this variant.

GeneDx
Classification: Uncertain significance. Last evaluated: 2024-11-27. Review status: criteria provided, single submitter. Criteria: GeneDx Variant Classification Process June 2021. Collection method: clinical testing. Allele origin: germline. Affected: yes.
Comment: In silico analysis supports a deleterious effect on protein structure/function; Has not been previously published as pathogenic or benign to our knowledge

Mayo Clinic Laboratories, Mayo Clinic
Classification: Uncertain significance. Last evaluated: 2024-05-10. Review status: criteria provided, single submitter. Criteria: ACMG Guidelines, 2015. Collection method: clinical testing. Allele origin: germline. Observed: 1 variant allele.

Johns Hopkins Genomics, Johns Hopkins University
Classification: Uncertain significance for von Willebrand disease type 1. Last evaluated: 2023-06-22. Review status: criteria provided, single submitter. Criteria: ACMG Guidelines, 2015. Collection method: clinical testing. Allele origin: germline.
Comment: This VWF missense variant (rs1555198442) has an entry in ClinVar (Variation ID: 439322), but has not been reported in the literature in individuals with VWF-related conditions. It has been identified in a large population dataset and the minor allele frequency is neither low enough to consider the variant rare (<0.1%) nor high enough to consider it a population polymorphism (>1%) within the African/African American subpopulation (gnomADv2.1.1: 109/24426 alleles; 0.4462 %, no homozygotes). Of two bioinformatics tools queried, one predicts that the substitution would be damaging, while one predicts that it would be tolerated. The cystine residue at this position is conserved across all species assessed except for one that has a serine at this position. We consider the clinical significance of VWF c.1562_1563delinsCT to be uncertain at this time.